The following is an entry in ClinVar:

ClinVar aggregate classification (germline): Pathogenic (1 of 4 stars; one submission).

Conditions:
Mendelian susceptibility to mycobacterial diseases due to complete IL12RB1 deficiency. Also called: Immunodeficiency 30; IL12RB1 DEFICIENCY. Identifiers: Orphanet 319552, MedGen C4013949, MONDO:0013955, OMIM 614891.

Allele frequency attached by ClinVar (database versions not stated): gnomAD exomes 0.00001.

Submission:

Labcorp Genetics (formerly Invitae), Labcorp
Classification: Pathogenic for Mendelian susceptibility to mycobacterial diseases due to complete IL12RB1 deficiency. Last evaluated: 2021-12-09. Review status: criteria provided, single submitter. Criteria: Invitae Variant Classification Sherloc (09022015). Collection method: clinical testing. Allele origin: germline.
Comment: This sequence change creates a premature translational stop signal (p.Glu234Lysfs*8) in the IL12RB1 gene. It is expected to result in an absent or disrupted protein product. Loss-of-function variants in IL12RB1 are known to be pathogenic (PMID: 9603733, 12591909). This variant is not present in population databases (gnomAD no frequency). This variant has not been reported in the literature in individuals affected with IL12RB1-related conditions. For these reasons, this variant has been classified as Pathogenic.

Literature cited by the submitters: PubMed 9603733; PubMed 12591909.

NM_005535.3(IL12RB1):c.699del (p.Glu234fs)

Gene: IL12RB1 (interleukin 12 receptor subunit beta 1; minus strand). Cytogenetic location: 19p13.11.
Variant type: Deletion.
Coding change: c.699del on transcript NM_005535.3 (MANE Select); coding-DNA position 699, one base deleted (T; older notation c.699delT).
Protein change: p.Glu234fs; shifts the reading frame from glutamic acid 234.
Molecular consequence: frameshift variant.
Genome position (GRCh38, 1-based): chr19:18,075,750, A deleted on the plus strand (T on the coding strand, the reverse complement: IL12RB1 is on the minus strand). VCF-style (leftmost placement, unchanged base first): chr19-18075749-CA-C. GRCh37 (hg19) VCF-style: chr19-18186559-CA-C.
Other names: c.699del, p.Glu234fs (NM_001290023.2, NM_153701.3); c.819delT, p.Glu274Lysfs (NM_001290024.2); short protein forms E234fs, E274fs.
Identifiers: ClinVar variation 1456856 (VCV001456856.6), dbSNP rs2146310027, ClinGen allele CA2573156153.